The following is an entry in ClinVar:

NM_001042432.2(CLN3):c.222T>C (p.His74=)

Gene: CLN3 (CLN3 lysosomal/endosomal transmembrane protein, battenin; minus strand). Cytogenetic location: 16p12.1.
Variant type: single nucleotide variant.
Coding change: c.222T>C on transcript NM_001042432.2 (MANE Select); coding-DNA position 222, T replaced by C.
Protein change: p.His74=; no amino-acid change (histidine 74 retained).
Molecular consequence: synonymous variant. On other transcripts: missense variant (1), initiator codon variant (1).
Genome position (GRCh38, 1-based): chr16:28,489,290, A>G on the plus strand (T>C on the coding strand, the complement: CLN3 is on the minus strand). VCF-style: chr16-28489290-A-G. GRCh37 (hg19) VCF-style: chr16-28500611-A-G.
Other names: c.222T>C, p.His74= (NM_000086.2, NM_001286104.2); c.2T>C, p.Met1Thr (NM_001286105.2); c.60T>C, p.His20= (NM_001286109.2, NM_001286110.2); short protein forms M1T.
Identifiers: ClinVar variation 457951 (VCV000457951.19), dbSNP rs201225986, ClinGen allele CA7981024.

ClinVar aggregate classification (germline): Conflicting classifications of pathogenicity. Review status: criteria provided, conflicting classifications (1 of 4 stars). 9 submissions from 9 submitters: Uncertain significance (3); Likely benign (2). 4 of the submissions do not count toward it. Last evaluated 2024-05-06.

Conditions:
Neuronal ceroid lipofuscinosis. Also called: Neuronal Ceroid Lipofuscinoses. Identifiers: Orphanet 216, Orphanet 79263, MedGen C0027877, MONDO:0016295. Disease mechanism: loss of function.
Neuronal ceroid lipofuscinosis 3 (CLN3). Identifiers: Orphanet 228346, MedGen C0751383, MONDO:0008767, OMIM 204200.

Allele frequency attached by ClinVar (database versions not stated): ExAC 0.00005; gnomAD 0.00005 and 0.00006; TOPMed 0.00005; gnomAD exomes 0.00007 and 0.00010; ESP Exome Variant Server 0.00008.
gnomAD v4.1: 162 of 1,607,466 alleles (0.01%); highest among the groups gnomAD compares: Non-Finnish European, 0.011%; no homozygotes.

Submissions (10):

Blueprint Genetics
Classification: Likely benign. Last evaluated: 2024-05-06. Review status: criteria provided, single submitter. Criteria: ACMG Guidelines, 2015. Collection method: clinical testing. Allele origin: germline.

Labcorp Genetics (formerly Invitae), Labcorp
Classification: Uncertain significance for Neuronal ceroid lipofuscinosis. Last evaluated: 2022-08-05. Review status: criteria provided, single submitter. Criteria: Invitae Variant Classification Sherloc (09022015). Collection method: clinical testing. Allele origin: germline.
Comment: This sequence change affects codon 74 of the CLN3 mRNA. It is a 'silent' change, meaning that it does not change the encoded amino acid sequence of the CLN3 protein. It affects a nucleotide within the consensus splice site. This variant is present in population databases (rs201225986, gnomAD 0.02%). This variant has not been reported in the literature in individuals affected with CLN3-related conditions. ClinVar contains an entry for this variant (Variation ID: 457951). Algorithms developed to predict the effect of sequence changes on RNA splicing suggest that this variant is not likely to affect RNA splicing. In summary, the available evidence is currently insufficient to determine the role of this variant in disease. Therefore, it has been classified as a Variant of Uncertain Significance.

Genome-Nilou Lab
Classification: Uncertain significance for Neuronal ceroid lipofuscinosis 3. Last evaluated: 2021-08-10. Review status: criteria provided, single submitter. Criteria: ACMG Guidelines, 2015. Collection method: clinical testing. Allele origin: germline. Affected: no.

GeneDx
Classification: Likely benign. Last evaluated: 2018-11-21. Review status: criteria provided, single submitter. Criteria: GeneDx Variant Classification Process June 2021. Collection method: clinical testing. Allele origin: germline. Affected: yes.

Illumina Laboratory Services, Illumina
Classification: Uncertain significance for Neuronal ceroid lipofuscinosis 3. Last evaluated: 2018-01-12. Review status: criteria provided, single submitter. Criteria: ICSL Variant Classification Criteria 13 December 2019. Collection method: clinical testing. Allele origin: germline.

Natera, Inc.
Classification: Uncertain significance for Neuronal ceroid lipofuscinosis. Last evaluated: 2020-04-24. Review status: no assertion criteria provided. Collection method: clinical testing. Allele origin: germline. Not counted in ClinVar's aggregate classification.

Clinical Genetics DNA and cytogenetics Diagnostics Lab, Erasmus MC, Erasmus Medical Center
Classification: Likely benign. Review status: no assertion criteria provided. Collection method: clinical testing. Allele origin: germline. Affected: yes. Study: VKGL Data-share Consensus. Not counted in ClinVar's aggregate classification.

Dr. Peter K. Rogan Lab, Western University
No classification provided (evidence only). Condition: Sarcoma. Review status: no classification provided. Collection method: in vitro. Allele origin: not applicable. Functional consequence: retained intron. Not counted in ClinVar's aggregate classification.

Genome Diagnostics Laboratory, Amsterdam University Medical Center
Classification: Likely benign. Review status: no assertion criteria provided. Collection method: clinical testing. Allele origin: germline. Affected: yes. Study: VKGL Data-share Consensus. Not counted in ClinVar's aggregate classification.

Genome Diagnostics Laboratory, University Medical Center Utrecht
Classification: Benign. Review status: no assertion criteria provided. Collection method: clinical testing. Allele origin: germline. Affected: yes. Study: VKGL Data-share Consensus. Not counted in ClinVar's aggregate classification.